The following is an entry in ClinVar:

NM_013447.4(ADGRE2):c.92G>A (p.Arg31Gln)

Gene: ADGRE2 (adhesion G protein-coupled receptor E2; minus strand). Cytogenetic location: 19p13.12.
Variant type: single nucleotide variant.
Coding change: c.92G>A on transcript NM_013447.4 (MANE Select); coding-DNA position 92, G replaced by A.
Protein change: p.Arg31Gln; replaces arginine 31 with glutamine.
Molecular consequence: missense variant.
Genome position (GRCh38, 1-based): chr19:14,774,045, C>T on the plus strand (G>A on the coding strand, the complement: ADGRE2 is on the minus strand). VCF-style: chr19-14774045-C-T. GRCh37 (hg19) VCF-style: chr19-14884857-C-T.
Other names: c.92G>A, p.Arg31Gln (NM_001271052.1, NM_152916.2, NM_152917.2); short protein forms R31Q.
Identifiers: ClinVar variation 2171819 (VCV002171819.4), dbSNP rs200392624, ClinGen allele CA9258305.

ClinVar aggregate classification (germline): Uncertain significance (1 of 4 stars; one submission).

Allele frequency attached by ClinVar (database versions not stated): ExAC 0.00001.
gnomAD v4.1: 27 of 1,613,746 alleles (0.0017%); highest among the groups gnomAD compares: South Asian, 0.0033%; no homozygotes.

Submission:

Labcorp Genetics (formerly Invitae), Labcorp
Classification: Uncertain significance. Last evaluated: 2025-11-13. Review status: criteria provided, single submitter. Criteria: Invitae Variant Classification Sherloc (09022015). Collection method: clinical testing. Allele origin: germline.
Comment: This sequence change replaces arginine, which is basic and polar, with glutamine, which is neutral and polar, at codon 31 of the ADGRE2 protein (p.Arg31Gln). This variant is present in population databases (rs200392624, gnomAD 0.006%). This variant has not been reported in the literature in individuals affected with ADGRE2-related conditions. ClinVar contains an entry for this variant (Variation ID: 2171819). An algorithm developed to predict the effect of missense changes on protein structure and function (PolyPhen-2) suggests that this variant is likely to be tolerated. In summary, the available evidence is currently insufficient to determine the role of this variant in disease. Therefore, it has been classified as a Variant of Uncertain Significance.